The following is an entry in ClinVar:

NM_002691.4(POLD1):c.3121G>A (p.Val1041Ile)

Gene: POLD1 (DNA polymerase delta 1, catalytic subunit; plus strand). Cytogenetic location: 19q13.33.
Variant type: single nucleotide variant.
Coding change: c.3121G>A on transcript NM_002691.4 (MANE Select); coding-DNA position 3121, G replaced by A.
Protein change: p.Val1041Ile; replaces valine 1041 with isoleucine.
Molecular consequence: missense variant. On other transcripts: non-coding transcript variant (1).
Genome position (GRCh38, 1-based): chr19:50,417,172, G>A. VCF-style: chr19-50417172-G-A. GRCh37 (hg19) VCF-style: chr19-50920429-G-A.
Other names: c.3121G>A (NM_002691.2); c.3121G>A, p.Val1041Ile (NM_001256849.1); c.3199G>A, p.Val1067Ile (NM_001308632.1); short protein forms V1041I, V1067I.
Identifiers: ClinVar variation 3369822 (VCV003369822.2).

ClinVar aggregate classification (germline): Uncertain significance. Review status: criteria provided, multiple submitters, no conflicts (2 of 4 stars). 2 submissions from 2 submitters: Uncertain significance (2). Last evaluated 2025-01-03.

Conditions:
Hereditary cancer-predisposing syndrome. Also called: Tumor predisposition; Neoplastic Syndromes, Hereditary; Hereditary neoplastic syndrome; Hereditary Cancer Syndrome. Identifiers: Orphanet 140162, MedGen C0027672, MeSH D009386, MONDO:0015356.

Submissions (2):

Ambry Genetics
Classification: Uncertain significance for Hereditary cancer-predisposing syndrome. Last evaluated: 2025-01-03. Review status: criteria provided, single submitter. Criteria: Ambry Variant Classification Scheme 2023. Collection method: clinical testing. Allele origin: germline.
Comment: The p.V1041I variant (also known as c.3121G>A) is located in coding exon 25 of the POLD1 gene. The valine at codon 1041 is replaced by isoleucine, an amino acid with highly similar properties. This change occurs in the first base pair of coding exon 25. This amino acid position is conserved. In addition, this alteration is predicted to be tolerated by in silico analysis. Based on the available evidence, the clinical significance of this variant remains unclear.

GeneDx
Classification: Uncertain significance. Last evaluated: 2024-02-27. Review status: criteria provided, single submitter. Criteria: GeneDx Variant Classification Process June 2021. Collection method: clinical testing. Allele origin: germline. Affected: yes.
Comment: Not observed at significant frequency in large population cohorts (gnomAD); In silico analysis supports that this missense variant does not alter protein structure/function; Has not been previously published as pathogenic or benign to our knowledge; This variant is associated with the following publications: (PMID: 19296856)